The following is an entry in ClinVar:

NM_003611.3(OFD1):c.47A>T (p.Gln16Leu)

Genes: OFD1 (OFD1 centriole and centriolar satellite protein; plus strand), LOC126863212 (CDK7 strongly-dependent group 2 enhancer GRCh37_chrX:13752241-13753440; plus strand). Cytogenetic location: Xp22.2.
Variant type: single nucleotide variant.
Coding change: c.47A>T on transcript NM_003611.3 (MANE Select); coding-DNA position 47, A replaced by T.
Protein change: p.Gln16Leu; replaces glutamine 16 with leucine.
Molecular consequence: missense variant. On other transcripts: 5 prime UTR variant (1).
Genome position (GRCh38, 1-based): chrX:13,735,282, A>T. VCF-style: chrX-13735282-A-T. GRCh37 (hg19) VCF-style: chrX-13753401-A-T.
Other names: c.47A>T, p.Gln16Leu (NM_001330209.2, NM_001440947.1, NM_001440948.1); c.-499A>T (NM_001330210.2); short protein forms Q16L.
Identifiers: ClinVar variation 4978404 (VCV004978404.1).

ClinVar aggregate classification (germline): Uncertain significance (1 of 4 stars; one submission).

Conditions:
OFD1-related disorder. Also called: OFD1-related condition.

gnomAD v4.1: 5 of 1,211,822 alleles (0.00041%); highest among the groups gnomAD compares: Non-Finnish European, 0.00056%; no homozygotes.

Submission:

PreventionGenetics, part of Exact Sciences
Classification: Uncertain significance for OFD1-related condition. Last evaluated: 2026-05-17. Review status: criteria provided, single submitter. Criteria: ACMG Guidelines, 2015. Collection method: clinical testing. Allele origin: germline.
Comment: The OFD1 c.47A>T variant is predicted to result in the amino acid substitution p.Gln16Leu. To our knowledge, this variant has not been reported in the literature or in a large population database (gnomAD), indicating this variant is rare. At this time, the clinical significance of this variant is uncertain due to the absence of conclusive functional and genetic evidence.